The following is an entry in ClinVar:

NM_001376.5(DYNC1H1):c.5655T>A (p.Thr1885=)

Gene: DYNC1H1 (dynein cytoplasmic 1 heavy chain 1; plus strand). Cytogenetic location: 14q32.31.
Variant type: single nucleotide variant.
Coding change: c.5655T>A on transcript NM_001376.5 (MANE Select); coding-DNA position 5655, T replaced by A.
Protein change: p.Thr1885=; no amino-acid change (threonine 1885 retained).
Molecular consequence: synonymous variant.
Genome position (GRCh38, 1-based): chr14:102,006,109, T>A. VCF-style: chr14-102006109-T-A. GRCh37 (hg19) VCF-style: chr14-102472446-T-A.
Identifiers: ClinVar variation 210872 (VCV000210872.18), dbSNP rs538791873, ClinGen allele CA208164.

ClinVar aggregate classification (germline): Conflicting classifications of pathogenicity. Review status: criteria provided, conflicting classifications (1 of 4 stars). 5 submissions from 5 submitters: Uncertain significance (1); Benign (1); Likely benign (3). Last evaluated 2025-05-29.

Conditions:
DYNC1H1-related disorder. Also called: DYNC1H1-related disorders; DYNC1H1-related condition. Identifiers: MedGen CN381529.
Inborn genetic diseases. Identifiers: MedGen C0950123, MeSH D030342.
Charcot-Marie-Tooth disease axonal type 2O. Also called: CHARCOT-MARIE-TOOTH NEUROPATHY, AXONAL, TYPE 2O; CHARCOT-MARIE-TOOTH DISEASE, AXONAL, AUTOSOMAL DOMINANT, TYPE 2O; Charcot-Marie-Tooth disease, axonal, type 20; Charcot-Marie-Tooth Neuropathy Type 2O. Identifiers: Orphanet 284232, MedGen C3280220, MONDO:0013644, OMIM 614228.

Allele frequency attached by ClinVar (database versions not stated): ExAC 0.00002; gnomAD exomes 0.00002; gnomAD 0.00009; TOPMed 0.00010; 1000 Genomes Project 30x 0.00016; 1000 Genomes Project 0.00020.
gnomAD v4.1: 27 of 1,614,210 alleles (0.0017%); highest among the groups gnomAD compares: African/African-American, 0.033%; no homozygotes.

Submissions (5):

PreventionGenetics, part of Exact Sciences
Classification: Likely benign for DYNC1H1-related condition. Last evaluated: 2025-05-29. Review status: criteria provided, single submitter. Criteria: ACMG Guidelines, 2015. Collection method: clinical testing. Allele origin: germline.
Comment: This variant is classified as likely benign based on ACMG/AMP sequence variant interpretation guidelines (Richards et al. 2015 PMID: 25741868, with internal and published modifications).

Labcorp Genetics (formerly Invitae), Labcorp
Classification: Benign for Charcot-Marie-Tooth disease axonal type 2O. Last evaluated: 2025-04-23. Review status: criteria provided, single submitter. Criteria: Invitae Variant Classification Sherloc (09022015). Collection method: clinical testing. Allele origin: germline.

GeneDx
Classification: Likely benign. Last evaluated: 2021-03-04. Review status: criteria provided, single submitter. Criteria: GeneDx Variant Classification Process June 2021. Collection method: clinical testing. Allele origin: germline. Affected: yes.

Ambry Genetics
Classification: Likely benign for Inborn genetic diseases. Last evaluated: 2019-10-07. Review status: criteria provided, single submitter. Criteria: Ambry Variant Classification Scheme 2023. Collection method: clinical testing. Allele origin: germline.

Genetic Services Laboratory, University of Chicago
Classification: Uncertain significance. Last evaluated: 2014-05-05. Review status: criteria provided, single submitter. Criteria: ACMG Guidelines, 2015. Collection method: clinical testing. Allele origin: germline.